The following is an entry in ClinVar:

ClinVar aggregate classification (germline): Uncertain significance (1 of 4 stars; one submission).

Conditions:
Costello syndrome (CSTLO). Also called: FACIOCUTANEOSKELETAL SYNDROME; HRAS-Related Costello Syndrome; FCS SYNDROME. Identifiers: Orphanet 3071, MedGen C0587248, MONDO:0009026, OMIM 218040.

Submission:

Labcorp Genetics (formerly Invitae), Labcorp
Classification: Uncertain significance for Costello syndrome. Last evaluated: 2025-06-23. Review status: criteria provided, single submitter. Criteria: Invitae Variant Classification Sherloc (09022015). Collection method: clinical testing. Allele origin: germline.
Comment: This sequence change replaces serine, which is neutral and polar, with alanine, which is neutral and non-polar, at codon 189 of the HRAS protein (p.Ser189Ala). This variant is not present in population databases (gnomAD no frequency). This variant has not been reported in the literature in individuals affected with HRAS-related conditions. ClinVar contains an entry for this variant (Variation ID: 856240). Invitae Evidence Modeling of protein sequence and biophysical properties (such as structural, functional, and spatial information, amino acid conservation, physicochemical variation, residue mobility, and thermodynamic stability) indicates that this missense variant is expected to disrupt HRAS protein function with a positive predictive value of 95%. In summary, the available evidence is currently insufficient to determine the role of this variant in disease. Therefore, it has been classified as a Variant of Uncertain Significance.

NM_005343.4(HRAS):c.565T>G (p.Ser189Ala)

Genes: HRAS (HRas proto-oncogene, GTPase; minus strand), LRRC56 (leucine rich repeat containing 56; plus strand). Cytogenetic location: 11p15.5.
Variant type: single nucleotide variant.
Coding change: c.565T>G on transcript NM_005343.4 (MANE Select); coding-DNA position 565, T replaced by G.
Protein change: p.Ser189Ala; replaces serine 189 with alanine.
Molecular consequence: missense variant. On other transcripts: 3 prime UTR variant (1).
Genome position (GRCh38, 1-based): chr11:532,641, A>C on the plus strand (T>G on the coding strand, the complement: HRAS is on the minus strand). VCF-style: chr11-532641-A-C. GRCh37 (hg19) VCF-style: chr11-532641-A-C.
Other names: c.565T>G, p.Ser189Ala (NM_001130442.3); c.328T>G, p.Ser110Ala (NM_001318054.2); c.*134T>G (NM_176795.5); short protein forms S189A, S110A.
Identifiers: ClinVar variation 856240 (VCV000856240.10), dbSNP rs1851173462, ClinGen allele CA378920855.
Genomic context (GRCh38, chr11:532,641, plus strand): 5'-AGCCGGGGTCATCCGGTGGGCGTGGCGGCCGCCCTGGGAGTCCCCCTCACCTGCGTCAGG[A>C]GAGCACACACTTGCAGCTCATGCAGCCGGGGCCACTCTCATCAGGAGGGTTCAGCTTCCG-3'
Protein context (NP_005334.1, residues 179-189): PGCMSCKCVL[Ser189Ala]